The following is an entry in ClinVar:

NM_015450.3(POT1):c.976G>A (p.Val326Ile)

Gene: POT1 (protection of telomeres 1; minus strand). Cytogenetic location: 7q31.33.
Variant type: single nucleotide variant.
Coding change: c.976G>A on transcript NM_015450.3 (MANE Select); coding-DNA position 976, G replaced by A.
Protein change: p.Val326Ile; replaces valine 326 with isoleucine.
Molecular consequence: missense variant. On other transcripts: non-coding transcript variant (3).
Genome position (GRCh38, 1-based): chr7:124,846,972, C>T on the plus strand (G>A on the coding strand, the complement: POT1 is on the minus strand). VCF-style: chr7-124846972-C-T. GRCh37 (hg19) VCF-style: chr7-124487026-C-T.
Other names: c.583G>A, p.Val195Ile (NM_001042594.2); short protein forms V326I, V195I.
Identifiers: ClinVar variation 845447 (VCV000845447.15), dbSNP rs1407472208, ClinGen allele CA369053776.

ClinVar aggregate classification (germline): Uncertain significance. Review status: criteria provided, multiple submitters, no conflicts (2 of 4 stars). 4 submissions from 4 submitters: Uncertain significance (4). Last evaluated 2025-10-15.

Conditions:
Tumor predisposition syndrome 3 (TPDS3). Also called: Glioma susceptibility 9; LONG TELOMERE SYNDROME, POT1-RELATED; POT1 Tumor Predisposition; Melanoma, cutaneous malignant, susceptibility to, 10. Identifiers: Orphanet 618, MedGen C4014476, MONDO:0014368, OMIM 615848.
Hereditary cancer-predisposing syndrome. Also called: Tumor predisposition; Hereditary Cancer Syndrome; Hereditary neoplastic syndrome; Neoplastic Syndromes, Hereditary. Identifiers: Orphanet 140162, MedGen C0027672, MeSH D009386, MONDO:0015356.

Allele frequency attached by ClinVar (database versions not stated): gnomAD exomes below 0.00001.
gnomAD v4.1: 3 of 1,605,984 alleles (0.00019%); highest among the groups gnomAD compares: African/African-American, 0.0013%; no homozygotes.

Submissions (4):

Ambry Genetics
Classification: Uncertain significance for Hereditary cancer-predisposing syndrome. Last evaluated: 2025-10-15. Review status: criteria provided, single submitter. Criteria: Ambry Variant Classification Scheme 2023. Collection method: clinical testing. Allele origin: germline.
Comment: The p.V326I variant (also known as c.976G>A), located in coding exon 8 of the POT1 gene, results from a G to A substitution at nucleotide position 976. The valine at codon 326 is replaced by isoleucine, an amino acid with highly similar properties. This amino acid position is conserved. In addition, this alteration is predicted to be tolerated by in silico analysis. Since supporting evidence is limited at this time, the clinical significance of this alteration remains unclear.

Quest Diagnostics Nichols Institute San Juan Capistrano
Classification: Uncertain significance. Last evaluated: 2024-01-02. Review status: criteria provided, single submitter. Criteria: Quest Diagnostics criteria. Collection method: clinical testing. Allele origin: unknown.
Comment: The POT1 c.976G>A (p.Val326Ile) variant has not been reported in individuals with POT1-related conditions in the published literature. The frequency of this variant in the general population, 0.000004 (1/250954 chromosomes (Genome Aggregation Database)), is uninformative in the assessment of its pathogenicity. Analysis of this variant using bioinformatics tools for the prediction of the effect of amino acid changes on protein structure and function yielded predictions that this variant is benign. Based on the available information, we are unable to determine the clinical significance of this variant.

Labcorp Genetics (formerly Invitae), Labcorp
Classification: Uncertain significance for Tumor predisposition syndrome 3. Last evaluated: 2023-10-17. Review status: criteria provided, single submitter. Criteria: Invitae Variant Classification Sherloc (09022015). Collection method: clinical testing. Allele origin: germline.
Comment: This sequence change replaces valine, which is neutral and non-polar, with isoleucine, which is neutral and non-polar, at codon 326 of the POT1 protein (p.Val326Ile). This variant is present in population databases (no rsID available, gnomAD 0.0009%). This variant has not been reported in the literature in individuals affected with POT1-related conditions. ClinVar contains an entry for this variant (Variation ID: 845447). Advanced modeling of protein sequence and biophysical properties (such as structural, functional, and spatial information, amino acid conservation, physicochemical variation, residue mobility, and thermodynamic stability) performed at Invitae indicates that this missense variant is not expected to disrupt POT1 protein function. In summary, the available evidence is currently insufficient to determine the role of this variant in disease. Therefore, it has been classified as a Variant of Uncertain Significance.

GeneDx
Classification: Uncertain significance. Last evaluated: 2022-02-03. Review status: criteria provided, single submitter. Criteria: GeneDx Variant Classification Process June 2021. Collection method: clinical testing. Allele origin: germline. Affected: yes.
Comment: Not observed at significant frequency in large population cohorts (gnomAD); In silico analysis supports that this missense variant does not alter protein structure/function; Has not been previously published as pathogenic or benign to our knowledge